The following is an entry in ClinVar:

ClinVar aggregate classification (germline): Uncertain significance (1 of 4 stars; one submission).

Submission:

Labcorp Genetics (formerly Invitae), Labcorp
Classification: Uncertain significance. Last evaluated: 2022-08-09. Review status: criteria provided, single submitter. Criteria: Invitae Variant Classification Sherloc (09022015). Collection method: clinical testing. Allele origin: germline.
Comment: This sequence change replaces arginine, which is basic and polar, with glycine, which is neutral and non-polar, at codon 617 of the PITPNM3 protein (p.Arg617Gly). This variant is not present in population databases (gnomAD no frequency). This variant has not been reported in the literature in individuals affected with PITPNM3-related conditions. ClinVar contains an entry for this variant (Variation ID: 1363524). Algorithms developed to predict the effect of missense changes on protein structure and function are either unavailable or do not agree on the potential impact of this missense change (SIFT: "Deleterious"; PolyPhen-2: "Possibly Damaging"; Align-GVGD: "Class C0"). In summary, the available evidence is currently insufficient to determine the role of this variant in disease. Therefore, it has been classified as a Variant of Uncertain Significance.

NM_031220.4(PITPNM3):c.1849C>G (p.Arg617Gly)

Gene: PITPNM3 (PITPNM family member 3; minus strand). Cytogenetic location: 17p13.2.
Variant type: single nucleotide variant.
Coding change: c.1849C>G on transcript NM_031220.4 (MANE Select); coding-DNA position 1849, C replaced by G.
Protein change: p.Arg617Gly; replaces arginine 617 with glycine.
Molecular consequence: missense variant.
Genome position (GRCh38, 1-based): chr17:6,468,266, G>C on the plus strand (C>G on the coding strand, the complement: PITPNM3 is on the minus strand). VCF-style: chr17-6468266-G-C. GRCh37 (hg19) VCF-style: chr17-6371586-G-C.
Other names: c.1741C>G, p.Arg581Gly (NM_001165966.2); short protein forms R617G, R581G.
Identifiers: ClinVar variation 1363524 (VCV001363524.8), dbSNP rs781006872, ClinGen allele CA397404295.